The following is an entry in ClinVar:

ClinVar aggregate classification (germline): Uncertain significance (1 of 4 stars; one submission).

Submission:

GeneDx
Classification: Uncertain significance. Last evaluated: 2022-04-15. Review status: criteria provided, single submitter. Criteria: GeneDx Variant Classification Process June 2021. Collection method: clinical testing. Allele origin: germline. Affected: yes.
Comment: Not observed at significant frequency in large population cohorts (gnomAD); In silico analysis supports that this missense variant does not alter protein structure/function; Has not been previously published as pathogenic or benign to our knowledge

NM_138691.3(TMC1):c.1849A>T (p.Met617Leu)

Gene: TMC1 (transmembrane channel like 1; plus strand). Cytogenetic location: 9q21.13.
Variant type: single nucleotide variant.
Coding change: c.1849A>T on transcript NM_138691.3 (MANE Select); coding-DNA position 1849, A replaced by T.
Protein change: p.Met617Leu; replaces methionine 617 with leucine.
Molecular consequence: missense variant.
Genome position (GRCh38, 1-based): chr9:72,820,927, A>T. VCF-style: chr9-72820927-A-T. GRCh37 (hg19) VCF-style: chr9-75435843-A-T.
Other names: short protein forms M617L.
Identifiers: ClinVar variation 1710801 (VCV001710801.2), dbSNP rs780400544, ClinGen allele CA373669711.
Genomic context (GRCh38, chr9:72,820,927, plus strand): 5'-CTCCCAGGCATCAATATCCTTCGACTCCATACATCCATGTACTTCCAGTGCTGGGCCGTT[A>T]TGTGCTGCAATGTTCCTGAGGCCAGGGTCTTCAAAGCTTCCAGATCAAATAACTTCTACC-3'
Protein context (NP_619636.2, residues 607-627): TSMYFQCWAV[Met617Leu]CCNVPEARVF